The following is an entry in ClinVar:

NM_201253.3(CRB1):c.852T>A (p.Tyr284Ter)

Gene: CRB1 (crumbs cell polarity complex component 1; plus strand). Cytogenetic location: 1q31.3.
Variant type: single nucleotide variant.
Coding change: c.852T>A on transcript NM_201253.3 (MANE Select); coding-DNA position 852, T replaced by A.
Protein change: p.Tyr284Ter; replaces tyrosine 284 with a stop codon.
Molecular consequence: nonsense. On other transcripts: non-coding transcript variant (2), intron variant (1).
Genome position (GRCh38, 1-based): chr1:197,347,343, T>A. VCF-style: chr1-197347343-T-A. GRCh37 (hg19) VCF-style: chr1-197316473-T-A.
Other names: c.645T>A, p.Tyr215Ter (NM_001257965.2); c.852T>A, p.Tyr284Ter (NM_001257966.2); c.653-9488T>A (NM_001193640.2); short protein forms Y284*, Y215*.
Identifiers: ClinVar variation 1364997 (VCV001364997.7), dbSNP rs1046799192, ClinGen allele CA36048736.
Genomic context (GRCh38, chr1:197,347,343, plus strand): 5'-AGATATCTGATCTCAATATGACTAAGAGTTGACATGAAAATTTCATTTACTTTCCAGATA[T>A]AGCTGTAACTGCACGGGTAGTGGATTCACAGGGACACACTGTGAGACCTTGATGCCTCTT-3'

ClinVar aggregate classification (germline): Pathogenic. Review status: criteria provided, multiple submitters, no conflicts (2 of 4 stars). 2 submissions from 2 submitters: Pathogenic (2). Last evaluated 2022-12-14.

Conditions:
CRB1-related disorder. Also called: CRB1-related disorders; CRB1-related condition.
Leber congenital amaurosis 8 (LCA8). Identifiers: Orphanet 65, MedGen C3151202, MONDO:0013453, OMIM 613835.
Retinitis pigmentosa 12 (RP12). Also called: RP WITH OR WITHOUT PRESERVED PARAARTERIOLE RETINAL PIGMENT EPITHELIUM; RETINITIS PIGMENTOSA WITH OR WITHOUT PARAARTERIOLAR PRESERVATION OF RETINAL PIGMENT EPITHELIUM; RP WITH OR WITHOUT PPRPE. Identifiers: Orphanet 791, MedGen C1838647, MONDO:0010818, OMIM 600105.

Allele frequency attached by ClinVar (database versions not stated): gnomAD exomes below 0.00001; gnomAD 0.00001.
gnomAD v4.1: 3 of 1,613,614 alleles (0.00019%); highest among the groups gnomAD compares: African/African-American, 0.004%; no homozygotes.

Submissions (2):

Labcorp Genetics (formerly Invitae), Labcorp
Classification: Pathogenic for Leber congenital amaurosis 8; Retinitis pigmentosa 12. Last evaluated: 2022-12-14. Review status: criteria provided, single submitter. Criteria: Invitae Variant Classification Sherloc (09022015). Collection method: clinical testing. Allele origin: germline.
Comment: This variant is present in population databases (no rsID available, gnomAD 0.008%). For these reasons, this variant has been classified as Pathogenic. ClinVar contains an entry for this variant (Variation ID: 1364997). This variant has not been reported in the literature in individuals affected with CRB1-related conditions. This sequence change creates a premature translational stop signal (p.Tyr284*) in the CRB1 gene. It is expected to result in an absent or disrupted protein product. Loss-of-function variants in CRB1 are known to be pathogenic (PMID: 10508521, 22065545, 23379534, 25412400, 26957898, 28041643, 29391521).

Blueprint Genetics
Classification: Pathogenic for CRB1-related disorders. Last evaluated: 2022-04-18. Review status: criteria provided, single submitter. Criteria: ACMG Guidelines, 2015. Collection method: clinical testing. Allele origin: germline. Affected: yes. Observed: 2 variant alleles.

Literature cited by the submitters: PubMed 10508521 (cited by Labcorp Genetics (formerly Invitae), Labcorp); PubMed 22065545 (cited by Labcorp Genetics (formerly Invitae), Labcorp); PubMed 23379534 (cited by Labcorp Genetics (formerly Invitae), Labcorp); PubMed 25412400 (cited by Labcorp Genetics (formerly Invitae), Labcorp); PubMed 26957898 (cited by Labcorp Genetics (formerly Invitae), Labcorp); PubMed 28041643 (cited by Labcorp Genetics (formerly Invitae), Labcorp); PubMed 29391521 (cited by Labcorp Genetics (formerly Invitae), Labcorp).